The following is an entry in ClinVar:

ClinVar aggregate classification (germline): Pathogenic (1 of 4 stars; one submission).

Conditions:
Asphyxiating thoracic dystrophy 3. Also called: SHORT-RIB THORACIC DYSPLASIA 3 WITH OR WITHOUT POLYDACTYLY; POLYDACTYLY WITH NEONATAL CHONDRODYSTROPHY, TYPE I; SHORT-RIB THORACIC DYSPLASIA 3/6 WITH POLYDACTYLY, DIGENIC; Short rib polydactyly syndrome 2B; Saldino-Noonan Syndrome. Identifiers: Orphanet 474, Orphanet 93269, Orphanet 93270, Orphanet 93271, MedGen C0036069, MONDO:0013127, OMIM 613091.

Submission:

Myriad Genetics, Inc.
Classification: Pathogenic for Asphyxiating thoracic dystrophy 3. Last evaluated: 2025-11-08. Review status: criteria provided, single submitter. Criteria: Myriad Autosomal Dominant, Autosomal Recessive and X-Linked Classification Criteria (2023). Collection method: clinical testing. Allele origin: unknown.
Comment: NM_001377.2(DYNC2H1):c.10456delG(D3486Ifs*84) is expected to be pathogenic in the context of DYNC2H1-related disorders. This variant is predicted to lead to an abnormal or absent protein product due to the creation of a premature termination codon in DYNC2H1, a gene where loss-of-function variants are known to be pathogenic. Please note: this variant was assessed in the context of healthy population screening.

NM_001377.3(DYNC2H1):c.10456del (p.Asp3486fs)

Gene: DYNC2H1 (dynein cytoplasmic 2 heavy chain 1; plus strand). Cytogenetic location: 11q22.3.
Variant type: Deletion.
Coding change: c.10456del on transcript NM_001377.3 (MANE Select); coding-DNA position 10456, one base deleted (G; older notation c.10456delG).
Protein change: p.Asp3486fs; shifts the reading frame from aspartic acid 3486.
Molecular consequence: frameshift variant.
Genome position (GRCh38, 1-based): chr11:103,256,235, G deleted. VCF-style (leftmost placement, unchanged base first): chr11-103256234-TG-T. GRCh37 (hg19) VCF-style: chr11-103126963-TG-T.
Other names: c.10477del, p.Asp3493fs (NM_001080463.2); short protein forms D3486fs, D3493fs.
Identifiers: ClinVar variation 5015186 (VCV005015186.1).